The following is an entry in ClinVar:

ClinVar aggregate classification (germline): Uncertain significance (1 of 4 stars; one submission).

Conditions:
Epidermodysplasia verruciformis. Identifiers: Orphanet 302, MedGen C0014522, MONDO:0009176.

gnomAD v4.1: 45 of 1,613,668 alleles (0.0028%); highest among the groups gnomAD compares: Non-Finnish European, 0.0036%; no homozygotes.

Submission:

Labcorp Genetics (formerly Invitae), Labcorp
Classification: Uncertain significance for Epidermodysplasia verruciformis. Last evaluated: 2024-08-29. Review status: criteria provided, single submitter. Criteria: Invitae Variant Classification Sherloc (09022015). Collection method: clinical testing. Allele origin: germline.
Comment: This sequence change replaces alanine, which is neutral and non-polar, with threonine, which is neutral and polar, at codon 260 of the TMC8 protein (p.Ala260Thr). This variant is present in population databases (rs773021050, gnomAD 0.006%). This variant has not been reported in the literature in individuals affected with TMC8-related conditions. Invitae Evidence Modeling of protein sequence and biophysical properties (such as structural, functional, and spatial information, amino acid conservation, physicochemical variation, residue mobility, and thermodynamic stability) indicates that this missense variant is not expected to disrupt TMC8 protein function with a negative predictive value of 80%. In summary, the available evidence is currently insufficient to determine the role of this variant in disease. Therefore, it has been classified as a Variant of Uncertain Significance.

NM_152468.5(TMC8):c.778G>A (p.Ala260Thr)

Gene: TMC8 (transmembrane channel like 8; plus strand). Cytogenetic location: 17q25.3.
Variant type: single nucleotide variant.
Coding change: c.778G>A on transcript NM_152468.5 (MANE Select); coding-DNA position 778, G replaced by A.
Protein change: p.Ala260Thr; replaces alanine 260 with threonine.
Molecular consequence: missense variant.
Genome position (GRCh38, 1-based): chr17:78,133,962, G>A. VCF-style: chr17-78133962-G-A. GRCh37 (hg19) VCF-style: chr17-76130043-G-A.
Other names: short protein forms A260T.
Identifiers: ClinVar variation 3730718 (VCV003730718.1).
Genomic context (GRCh38, chr17:78,133,962, plus strand): 5'-GCGCCTCTCAGCGCCAAGGTCTTCTCCTCATGGGACTTCTGCATCCGGGTGCAGGAAGCA[G>A]CCACCATCAAGAAGCATGAGATCAGCAACGAGTTCAAGGTGTGTGCACGAGTGAGTGCCT-3'
Protein context (NP_689681.2, residues 250-270): WDFCIRVQEA[Ala260Thr]TIKKHEISNE